The following is an entry in ClinVar:

ClinVar aggregate classification (germline): Benign. Review status: reviewed by expert panel (3 of 4 stars). 24 submissions from 24 submitters: Benign (1). 23 of the submissions do not count toward it. Last evaluated 2015-08-10.

Conditions:
BRCA1-related cancer predisposition. Identifiers: MedGen CN377757, MONDO:0700268.
Breast and/or ovarian cancer. Identifiers: MedGen CN221562.
Hereditary cancer-predisposing syndrome. Also called: Neoplastic Syndromes, Hereditary; Tumor predisposition; Hereditary Cancer Syndrome; Hereditary neoplastic syndrome. Identifiers: Orphanet 140162, MedGen C0027672, MeSH D009386, MONDO:0015356.
Hereditary breast ovarian cancer syndrome. Also called: Hereditary breast and ovarian cancer; Breast and ovarian cancer; Hereditary breast and/or ovarian cancer syndrome; Hereditary breast and ovarian cancer syndrome (HBOC); Hereditary breast and ovarian cancer syndrome; BRCA1- and BRCA2-Associated Hereditary Breast and Ovarian Cancer. Identifiers: Orphanet 145, MedGen C0677776, MeSH D061325, MONDO:0003582. Disease mechanism: loss of function.
Breast-ovarian cancer, familial, susceptibility to, 1 (BROVCA1). Also called: OVARIAN CANCER, SUSCEPTIBILITY TO; BRCA1 Hereditary Breast and Ovarian Cancer. Identifiers: Orphanet 145, MedGen C2676676, MONDO:0011450, OMIM 604370. Disease mechanism: loss of function.
Malignant tumor of breast. Also called: Malignant breast neoplasm; Cancer breast. Identifiers: MedGen C0006142, MONDO:0007254. Disease mechanism: loss of function.

Allele frequency attached by ClinVar (database versions not stated): TOPMed 0.00015; ExAC 0.00016; gnomAD 0.00025 and 0.00027.
gnomAD v4.1: 258 of 1,614,034 alleles (0.016%); highest among the groups gnomAD compares: Middle Eastern, 0.016%; no homozygotes.

Submissions 1 to 16 of 24:

Evidence-based Network for the Interpretation of Germline Mutant Alleles (ENIGMA)
Classification: Benign for Breast-ovarian cancer, familial 1. Last evaluated: 2015-08-10. Review status: reviewed by expert panel. Criteria: ENIGMA BRCA1/2 Classification Criteria (2015). Collection method: curation. Allele origin: germline.
Comment: IARC class based on posterior probability from multifactorial likelihood analysis, thresholds for class as per Plon et al. 2008 (PMID: 18951446). Class 1 based on posterior probability = 0.0000000194

CeGaT Center for Human Genetics Tuebingen
Classification: Likely benign. Last evaluated: 2026-04-01. Review status: criteria provided, single submitter. Criteria: CeGaT Center For Human Genetics Tuebingen Variant Classification Criteria Version 2. Collection method: clinical testing. Allele origin: germline. Affected: yes. Observed: 11 variant alleles. Not counted in ClinVar's aggregate classification.
Comment: BRCA1: BP4

Labcorp Genetics (formerly Invitae), Labcorp
Classification: Benign for Hereditary breast ovarian cancer syndrome. Last evaluated: 2026-02-03. Review status: criteria provided, single submitter. Criteria: Invitae Variant Classification Sherloc (09022015). Collection method: clinical testing. Allele origin: germline. Not counted in ClinVar's aggregate classification.

GeneKor MSA
Classification: Benign for Hereditary breast ovarian cancer syndrome. Last evaluated: 2025-07-10. Review status: criteria provided, single submitter. Criteria: ACMG Guidelines, 2015. Collection method: clinical testing. Allele origin: germline. Not counted in ClinVar's aggregate classification.

Center for Genomic Medicine, Rigshospitalet, Copenhagen University Hospital
Classification: Benign. Last evaluated: 2025-03-04. Review status: criteria provided, single submitter. Criteria: ACMG Guidelines, 2015. Collection method: clinical testing. Allele origin: germline. Not counted in ClinVar's aggregate classification.

ARUP Laboratories, Molecular Genetics and Genomics, ARUP Laboratories
Classification: Benign. Last evaluated: 2025-01-06. Review status: criteria provided, single submitter. Criteria: ARUP Molecular Germline Variant Investigation Process 2024. Collection method: clinical testing. Allele origin: germline. Not counted in ClinVar's aggregate classification.

Blueprint Genetics
Classification: Likely benign. Last evaluated: 2024-10-17. Review status: criteria provided, single submitter. Criteria: ACMG Guidelines, 2015. Collection method: clinical testing. Allele origin: germline. Not counted in ClinVar's aggregate classification.

All of Us Research Program, National Institutes of Health
Classification: Likely benign for BRCA1-related cancer predisposition. Last evaluated: 2024-08-06. Review status: criteria provided, single submitter. Criteria: ACMG Guidelines, 2015. Collection method: clinical testing. Allele origin: germline. Inheritance: Autosomal dominant inheritance. Observed: 66 variant alleles, 66 heterozygotes. Not counted in ClinVar's aggregate classification.
Comment: This study involves interpretation of variants in research participants for the purpose of population health screening. Participant phenotype was not available at the time of variant classification. Additional details can be found in publication PMID: 35346344, PMCID: PMC8962531

Institute for Biomarker Research, Medical Diagnostic Laboratories, L.L.C.
Classification: Likely benign for Hereditary breast ovarian cancer syndrome. Last evaluated: 2022-10-18. Review status: criteria provided, single submitter. Criteria: ACMG Guidelines, 2015. Collection method: clinical testing. Allele origin: germline. Not counted in ClinVar's aggregate classification.

Genetic Services Laboratory, University of Chicago
Classification: Likely benign. Last evaluated: 2021-10-11. Review status: criteria provided, single submitter. Criteria: ACMG Guidelines, 2015. Collection method: clinical testing. Allele origin: germline. Affected: no. Not counted in ClinVar's aggregate classification.

Genetics and Molecular Pathology, SA Pathology
Classification: Benign for Breast-ovarian cancer, familial, susceptibility to, 1. Last evaluated: 2021-05-28. Review status: criteria provided, single submitter. Criteria: ACMG Guidelines, 2015. Collection method: clinical testing. Allele origin: germline. Affected: yes. Not counted in ClinVar's aggregate classification.

Sema4
Classification: Likely benign for Hereditary cancer-predisposing syndrome. Last evaluated: 2021-04-29. Review status: criteria provided, single submitter. Criteria: Sema4 Curation Guidelines. Collection method: curation. Allele origin: germline. Not counted in ClinVar's aggregate classification.

GeneDx
Classification: Likely benign. Last evaluated: 2017-09-19. Review status: criteria provided, single submitter. Criteria: GeneDx Variant Classification (06012015). Collection method: clinical testing. Allele origin: germline. Affected: yes. Not counted in ClinVar's aggregate classification.
Comment: This variant is considered likely benign or benign based on one or more of the following criteria: it is a conservative change, it occurs at a poorly conserved position in the protein, it is predicted to be benign by multiple in silico algorithms, and/or has population frequency not consistent with disease.

Illumina Laboratory Services, Illumina
Classification: Likely benign for Breast-ovarian cancer, familial, susceptibility to, 1. Last evaluated: 2017-04-27. Review status: criteria provided, single submitter. Criteria: ICSL Variant Classification Criteria 13 December 2019. Collection method: clinical testing. Allele origin: germline. Not counted in ClinVar's aggregate classification.
Comment: This variant was observed as part of a predisposition screen in an ostensibly healthy population. A literature search was performed for the gene, cDNA change, and amino acid change (where applicable). Publications were found based on this search. The evidence from the literature, in combination with allele frequency data from public databases where available, was sufficient to determine this variant is unlikely to cause disease. Therefore, this variant is classified as likely benign.

Women's Health and Genetics/Laboratory Corporation of America, LabCorp
Classification: Benign. Last evaluated: 2017-04-06. Review status: criteria provided, single submitter. Criteria: LabCorp Variant Classification Summary - May 2015. Collection method: clinical testing. Allele origin: germline. Not counted in ClinVar's aggregate classification.
Comment: Variant summary: The BRCA1 c.3713C>T (p.Pro1238Leu) variant causes a missense change (ACMG BP1) involving the alteration of a non-conserved nucleotide. Variant is not in any known functional domain of the protein. 2/4 in silico tools predict a benign outcome for this variant (SNPs&GO not captured due to low reliability index). The variant of interest has been found in a large, broad control population, ExAC in 21/122536 control chromosomes at a frequency of 0.0001714, predominantly observed in the European (Finnish) subpopulation at a frequency of 0.001059 (7/6612). This frequency is slightly higher than the estimated maximal expected allele frequency of a pathogenic BRCA1 variant (0.0010005), suggesting this is likely a benign polymorphism found primarily in the populations of European (Finnish) origin (BS1). The variant has been reported in multiple affected individuals without strong evidence for causality. However, this variant has been reported to co-occur with deleterious mutations in BRCA1 gene (c.5266dupC/p.Gln1756fsX74; reported as 5385insC/ and BRCA1 c.4533_4534delCA) (ACMG BP2) in two individuals suggesting a likely benign nature of this variant (Abkevich_J Med Genet_2004). This is also supported by a functional study (Lu_BRCA1&2_Nat Comm_2015) where HDR analysis in 2/3 cases showed no significant change from WT (ACMG BS3). In addition, multiple clinical diagnostic laboratories/reputable databases classified this variant as benign/likely benign (ACMG BP6). These evidences support the classification of this variant as benign based upon ACMG guidelines (BP1, BP2, BP6, BS1, and BS3). Taken together, this variant is classified as benign.

CHEO Genetics Diagnostic Laboratory, Children's Hospital of Eastern Ontario
Classification: Likely benign for Breast and/or ovarian cancer. Last evaluated: 2017-01-16. Review status: criteria provided, single submitter. Criteria: ACMG Guidelines, 2015. Collection method: clinical testing. Allele origin: germline. Study: Canadian Open Genetics Repository. Not counted in ClinVar's aggregate classification.

NM_007294.4(BRCA1):c.3713C>T (p.Pro1238Leu)

Genes: BRCA1 (BRCA1 DNA repair associated; minus strand), LOC126862571 (BRD4-independent group 4 enhancer GRCh37_chr17:41243136-41244335; plus strand). Cytogenetic location: 17q21.31.
Variant type: single nucleotide variant.
Coding change: c.3713C>T on transcript NM_007294.4 (MANE Select); coding-DNA position 3713, C replaced by T.
Protein change: p.Pro1238Leu; replaces proline 1238 with leucine.
Molecular consequence: missense variant. On other transcripts: intron variant (135).
Genome position (GRCh38, 1-based): chr17:43,091,818, G>A on the plus strand (C>T on the coding strand, the complement: BRCA1 is on the minus strand). VCF-style: chr17-43091818-G-A. GRCh37 (hg19) VCF-style: chr17-41243835-G-A.
Other names: p.P1238L:CCT>CTT; 3832C>T; c.3713C>T, p.Pro1238Leu (NM_007300.4, NM_001407581.1, NM_001407582.1 and 30 more transcripts); c.647-786C>T (NM_001408458.1, NM_001408469.1, NM_001408453.1 and 11 more transcripts); c.284-786C>T (NM_001408512.1); c.407-786C>T (NM_001408510.1); c.644-786C>T (NM_001408470.1, NM_001408464.1, NM_001408468.1 and 3 more transcripts); c.785-786C>T (NM_001408397.1, NM_001408401.1, NM_001408396.1 and 13 more transcripts); and 43 more; short protein forms P1238L, P1191L, P1070L, P1127L, P1196L, P942L, P1149L, P1171L.
Identifiers: ClinVar variation 37543 (VCV000037543.77), dbSNP rs28897688, ClinGen allele CA002382.